The following is an entry in ClinVar:

ClinVar aggregate classification (germline): Uncertain significance (1 of 4 stars; one submission).

Conditions:
Renal coloboma syndrome (PAPRS). Also called: PAPILLORENAL SYNDROME; COLOBOMA OF OPTIC NERVE WITH RENAL DISEASE; OPTIC COLOBOMA, VESICOURETERAL REFLUX, AND RENAL ANOMALIES; OPTIC NERVE COLOBOMA WITH RENAL DISEASE; RENAL-COLOBOMA SYNDROME WITH MACULAR ABNORMALITIES; CONGENITAL ANOMALIES OF THE KIDNEY AND URINARY TRACT WITH OR WITHOUT OCULAR ABNORMALITIES. Identifiers: Orphanet 1475, MedGen C1852759, MONDO:0007352, OMIM 120330.

Allele frequency attached by ClinVar (database versions not stated): gnomAD exomes below 0.00001.
gnomAD v4.1: 1 of 1,614,264 alleles (0.000062%); highest among the groups gnomAD compares: Non-Finnish European, 0.000085%; no homozygotes.

Submission:

MVZ Medizinische Genetik Mainz
Classification: Uncertain significance for Renal coloboma syndrome. Last evaluated: 2023-01-11. Review status: criteria provided, single submitter. Criteria: UK Practice Guidelines For Variant Classification V4 01 2020. Collection method: clinical testing. Allele origin: germline. Inheritance: Autosomal dominant inheritance. Affected: yes. Observed: 1 variant allele.
Comment: ACMG Criteria: PM2_SUP, PP3 (ACMG Version 4)

NM_000278.5(PAX2):c.688G>A (p.Ala230Thr)

Gene: PAX2 (paired box 2; plus strand). Cytogenetic location: 10q24.31.
Variant type: single nucleotide variant.
Coding change: c.688G>A on transcript NM_000278.5 (MANE Select); coding-DNA position 688, G replaced by A.
Protein change: p.Ala230Thr; replaces alanine 230 with threonine.
Molecular consequence: missense variant.
Genome position (GRCh38, 1-based): chr10:100,806,501, G>A. VCF-style: chr10-100806501-G-A. GRCh37 (hg19) VCF-style: chr10-102566258-G-A.
Other names: c.781G>A, p.Ala261Thr (NM_001304569.2); c.757G>A, p.Ala253Thr (NM_003987.5, NM_003990.5); c.688G>A, p.Ala230Thr (NM_003988.5, NM_003989.5); short protein forms A230T, A253T, A261T.
Identifiers: ClinVar variation 3236805 (VCV003236805.1), dbSNP rs2493149474.